The following is an entry in ClinVar:

ClinVar aggregate classification (germline): Uncertain significance (1 of 4 stars; one submission).

Conditions:
Inborn genetic diseases. Identifiers: MedGen C0950123, MeSH D030342.

Submission:

Ambry Genetics
Classification: Uncertain significance for Inborn genetic diseases. Last evaluated: 2025-09-20. Review status: criteria provided, single submitter. Criteria: Ambry Variant Classification Scheme 2023. Collection method: clinical testing. Allele origin: germline.
Comment: The p.V320F variant (also known as c.958G>T), located in coding exon 5 of the ETV6 gene, results from a G to T substitution at nucleotide position 958. The valine at codon 320 is replaced by phenylalanine, an amino acid with highly similar properties. This amino acid position is conserved. In addition, this alteration is predicted to be tolerated by in silico analysis. Based on the available evidence, the clinical significance of this variant remains unclear.

NM_001987.5(ETV6):c.958G>T (p.Val320Phe)

Gene: ETV6 (ETS variant transcription factor 6; plus strand). Cytogenetic location: 12p13.2.
Variant type: single nucleotide variant.
Coding change: c.958G>T on transcript NM_001987.5 (MANE Select); coding-DNA position 958, G replaced by T.
Protein change: p.Val320Phe; replaces valine 320 with phenylalanine.
Molecular consequence: missense variant.
Genome position (GRCh38, 1-based): chr12:11,869,918, G>T. VCF-style: chr12-11869918-G-T. GRCh37 (hg19) VCF-style: chr12-12022852-G-T.
Other names: c.955G>T, p.Val319Phe (NM_001413913.1); c.931G>T, p.Val311Phe (NM_001413914.1); c.694G>T, p.Val232Phe (NM_001413915.1); c.958G>T, p.Val320Phe (NM_001413916.1, NM_001413917.1); short protein forms V320F, V232F, V311F, V319F.
Identifiers: ClinVar variation 4618839 (VCV004618839.1).